The following is an entry in ClinVar:

NM_000268.4(NF2):c.-16G>A

Gene: NF2 (NF2, moesin-ezrin-radixin like (MERLIN) tumor suppressor; plus strand). Cytogenetic location: 22q12.2.
Variant type: single nucleotide variant.
Coding change: c.-16G>A on transcript NM_000268.4 (MANE Select); 16 bases upstream of the start codon, G replaced by A.
Molecular consequence: 5 prime UTR variant. On other transcripts: non-coding transcript variant (1).
Genome position (GRCh38, 1-based): chr22:29,603,983, G>A. VCF-style: chr22-29603983-G-A. GRCh37 (hg19) VCF-style: chr22-29999972-G-A.
Other names: c.-246G>A (NM_001407053.1, NM_001407056.1); c.-16G>A (NM_001407054.1, NM_001407055.1, NM_001407057.1 and 15 more transcripts); c.-656G>A (NM_001407065.1); c.-272G>A (NM_001407067.1).
Identifiers: ClinVar variation 3896383 (VCV003896383.2).

ClinVar aggregate classification (germline): Uncertain significance (1 of 4 stars; one submission).

gnomAD v4.1: 7 of 1,558,564 alleles (0.00045%); highest among the groups gnomAD compares: South Asian, 0.0023%; no homozygotes.

Submission:

Women's Health and Genetics/Laboratory Corporation of America, LabCorp
Classification: Uncertain significance. Last evaluated: 2025-04-09. Review status: criteria provided, single submitter. Criteria: LabCorp Variant Classification Summary - May 2015. Collection method: clinical testing. Allele origin: germline.
Comment: Variant summary: NF2 c.-16G>A is located in the untranslated mRNA region upstream of the initiation codon. The variant allele was found at a frequency of 4.5e-06 in 1551674 control chromosomes in the gnomAD database (v4.1 dataset). The available data on variant occurrences in the general population are insufficient to allow any conclusion about variant significance. To our knowledge, no occurrence of c.-16G>A in individuals affected with Neurofibromatosis, type 2 and no experimental evidence demonstrating its impact on protein function have been reported. No submitters have cited clinical-significance assessments for this variant to ClinVar. Based on the evidence outlined above, the variant was classified as uncertain significance.